The following is an entry in ClinVar:

NM_000179.3(MSH6):c.628-2A>C

Gene: MSH6 (mutS homolog 6; plus strand). Cytogenetic location: 2p16.3.
Variant type: single nucleotide variant.
Coding change: c.628-2A>C on transcript NM_000179.3 (MANE Select); the canonical splice acceptor site of the intron before coding-DNA position 628, A replaced by C.
Molecular consequence: splice acceptor variant. On other transcripts: intron variant (2).
Genome position (GRCh38, 1-based): chr2:47,798,609, A>C. VCF-style: chr2-47798609-A-C. GRCh37 (hg19) VCF-style: chr2-48025748-A-C.
Other names: c.628-2A>C (NM_001406809.1, NM_001406796.1, NM_001406808.1 and 4 more transcripts); c.634-2A>C (NM_001406813.1); c.103-2A>C (NM_001406807.1, NM_001406799.1, NM_001406806.1); c.-279-2A>C (NM_001406814.1, NM_001406811.1, NM_001281493.2 and 5 more transcripts); c.331-2A>C (NM_001406805.1, NM_001406797.1, NM_001406801.1 and 10 more transcripts); c.724-2A>C (NM_001406795.1, NM_001406802.1); c.628-2057A>C (NM_001407362.1); c.550-2A>C (NM_001406804.1); and 3 more.
Identifiers: ClinVar variation 2004069 (VCV002004069.6), dbSNP rs1114167725, ClinGen allele CA346739194.

ClinVar aggregate classification (germline): Pathogenic/Likely pathogenic. Review status: criteria provided, multiple submitters, no conflicts (2 of 4 stars). 3 submissions from 3 submitters: Pathogenic (1); Likely pathogenic (2). Last evaluated 2025-01-15.

Conditions:
Hereditary nonpolyposis colorectal neoplasms. Identifiers: MedGen C0009405, MeSH D003123.
Lynch syndrome 5 (LYNCH5). Also called: Colorectal cancer, hereditary nonpolyposis, type 5; Hereditary non-polyposis colorectal cancer, type 5. Identifiers: Orphanet 144, MedGen C1833477, MONDO:0013710, OMIM 614350. Disease mechanism: loss of function.

Submissions (3):

Labcorp Genetics (formerly Invitae), Labcorp
Classification: Pathogenic for Hereditary nonpolyposis colorectal neoplasms. Last evaluated: 2025-01-15. Review status: criteria provided, single submitter. Criteria: Invitae Variant Classification Sherloc (09022015). Collection method: clinical testing. Allele origin: germline.
Comment: This sequence change affects an acceptor splice site in intron 3 of the MSH6 gene. RNA analysis indicates that disruption of this splice site induces altered splicing and may result in an absent or altered protein product. This variant is not present in population databases (gnomAD no frequency). Disruption of this splice site has been observed in individual(s) with endometrial cancer (PMID: 27443514). ClinVar contains an entry for this variant (Variation ID: 2004069). Studies have shown that disruption of this splice site results in activation of a cryptic splice site, and produces a non-functional protein and/or introduces a premature termination codon (internal data). For these reasons, this variant has been classified as Pathogenic.

Institute of Human Genetics Munich, TUM University Hospital
Classification: Likely pathogenic for Lynch syndrome 5. Last evaluated: 2024-02-07. Review status: criteria provided, single submitter. Criteria: Classification criteria August 2017. Collection method: clinical testing. Allele origin: germline. Inheritance: Autosomal dominant inheritance. Affected: yes. Observed: 1 variant allele.

Myriad Genetics, Inc.
Classification: Likely pathogenic for Lynch syndrome 5. Last evaluated: 2023-08-10. Review status: criteria provided, single submitter. Criteria: Myriad Autosomal Dominant, Autosomal Recessive and X-Linked Classification Criteria (2023). Collection method: clinical testing. Allele origin: unknown.
Comment: This variant is considered likely pathogenic. This variant occurs within a consensus splice junction and is predicted to result in abnormal mRNA splicing of either an out-of-frame exon or an in-frame exon necessary for protein stability and/or normal function.

Literature cited by the submitters: PubMed 27443514 (cited by Labcorp Genetics (formerly Invitae), Labcorp).